The following is an entry in ClinVar:

NM_001009944.3(PKD1):c.10939C>T (p.Arg3647Trp)

Genes: PKD1 (polycystin 1, transient receptor potential channel interacting; minus strand), PKD1-AS1 (PKD1 antisense RNA 1; plus strand). Cytogenetic location: 16p13.3.
Variant type: single nucleotide variant.
Coding change: c.10939C>T on transcript NM_001009944.3 (MANE Select); coding-DNA position 10939, C replaced by T.
Protein change: p.Arg3647Trp; replaces arginine 3647 with tryptophan.
Molecular consequence: missense variant.
Genome position (GRCh38, 1-based): chr16:2,093,621, G>A on the plus strand (C>T on the coding strand, the complement: PKD1 is on the minus strand). VCF-style: chr16-2093621-G-A. GRCh37 (hg19) VCF-style: chr16-2143622-G-A.
Other names: p.Arg3647Trp; c.10936C>T, p.Arg3646Trp (NM_000296.4); short protein forms R3646W, R3647W.
Identifiers: ClinVar variation 586244 (VCV000586244.13), dbSNP rs181927900, ClinGen allele CA7829374.

ClinVar aggregate classification (germline): Conflicting classifications of pathogenicity. Review status: criteria provided, conflicting classifications (1 of 4 stars). 7 submissions from 7 submitters: Uncertain significance (5); Likely benign (2). Last evaluated 2026-07-01.

Conditions:
PKD1-related disorder. Also called: PKD1-related condition.

Allele frequency attached by ClinVar (database versions not stated): ESP Exome Variant Server 0.00023; gnomAD 0.00024 and 0.00025; ExAC 0.00033; gnomAD exomes 0.00048 and 0.00022; 1000 Genomes Project 30x 0.00016; 1000 Genomes Project 0.00020; TOPMed 0.00021.
gnomAD v4.1: 741 of 1,608,946 alleles (0.046%); highest among the groups gnomAD compares: Non-Finnish European, 0.059%; 2 homozygotes.

Submissions (7):

GeneDx
Classification: Uncertain significance. Last evaluated: 2026-07-01. Review status: criteria provided, single submitter. Criteria: GeneDx Variant Classification Process June 2021. Collection method: clinical testing. Allele origin: germline.
Comment: Reported with a second PKD1 variant (phase unknown) in a patient with polycystic kidney disease in published literature (PMID: 33437033); In silico analysis supports that this missense variant has a deleterious effect on protein structure/function; This variant is associated with the following publications: (PMID: 35918752, 35903967, 33437033)

PreventionGenetics, part of Exact Sciences
Classification: Uncertain significance for PKD1-related condition. Last evaluated: 2026-06-10. Review status: criteria provided, single submitter. Criteria: ACMG Guidelines, 2015. Collection method: clinical testing. Allele origin: germline.
Comment: The PKD1 c.10939C>T variant is predicted to result in the amino acid substitution p.Arg3647Trp. This variant has been reported as uncertain in an individual with polycystic kidney disease who also had a pathogenic mutation in PKD1 (Table S3, Mallawaarachchi et al. 2021. PubMed ID: 33437033) as well as in an individual with a connective tissue disorder (Steinle et al. 2022. PubMed ID: 35903967). This variant is reported in 0.044% of alleles in individuals of European (Non-Finnish) descent in gnomAD and is interpreted as uncertain in ClinVar (Variation ID: 586244). An alternate missense change at the same amino acid position (p.Arg3647Gln) has been reported in at least one individual with polycystic kidney disease, however causality was not established (Table S2, Kurashige et al. 2015. PubMed ID: 24611717; Supplement 4, Rasouly et al. 2018. PubMed ID: 30476936). At this time, the clinical significance of the p.Arg3647Trp variant is uncertain due to the absence of conclusive functional and genetic evidence.

Women's Health and Genetics/Laboratory Corporation of America, LabCorp
Classification: Uncertain significance. Last evaluated: 2026-01-06. Review status: criteria provided, single submitter. Criteria: LabCorp Variant Classification Summary - May 2015. Collection method: clinical testing. Allele origin: germline.
Comment: Variant summary: PKD1 c.10939C>T (p.Arg3647Trp) results in a non-conservative amino acid change in the encoded protein sequence. Algorithms developed to predict the effect of missense changes on protein structure and function are either unavailable or do not agree on the potential impact of this missense change. The variant allele was found at a frequency of 0.00022 in 240446 control chromosomes. This frequency is not significantly higher than estimated for disease-causing variants in PKD1, allowing no conclusion about variant significance. c.10939C>T has been reported in the literature in individuals affected with Autosomal Dominant Polycystic Kidney Disease or connective tissue disorders (Mallawaarachchi_2021, Steinle_2022). These reports do not provide unequivocal conclusions about association of the variant with PKD1-Biallelic Autosomal Recessive Polycystic Kidney Disease. To our knowledge, no experimental evidence demonstrating an impact on protein function has been reported. The following publications have been ascertained in the context of this evaluation (PMID: 33437033, 35903967). ClinVar contains an entry for this variant (Variation ID: 586244). Based on the evidence outlined above, the variant was classified as uncertain significance.

Mayo Clinic Laboratories, Mayo Clinic
Classification: Likely benign. Last evaluated: 2025-05-05. Review status: criteria provided, single submitter. Criteria: ACMG Guidelines, 2015. Collection method: clinical testing. Allele origin: germline. Observed: 1 variant allele.
Comment: BS1, BP4

Blueprint Genetics
Classification: Likely benign. Last evaluated: 2024-10-16. Review status: criteria provided, single submitter. Criteria: ACMG Guidelines, 2015. Collection method: clinical testing. Allele origin: germline.

Molecular Genetics of Inherited Kidney Disorders Laboratory, Garvan Institute of Medical Research
Classification: Uncertain significance. Last evaluated: 2019-01-01. Review status: criteria provided, single submitter. Criteria: ACMG Guidelines, 2015. Collection method: clinical testing. Allele origin: germline. Affected: yes.

Athena Diagnostics
Classification: Uncertain significance. Last evaluated: 2018-08-03. Review status: criteria provided, single submitter. Criteria: Athena Diagnostics Criteria. Collection method: clinical testing. Allele origin: germline.

Literature cited by the submitters: PubMed 33437033 (cited by Women's Health and Genetics/Laboratory Corporation of America, LabCorp and Mayo Clinic Laboratories, Mayo Clinic); PubMed 35903967 (cited by Women's Health and Genetics/Laboratory Corporation of America, LabCorp and Mayo Clinic Laboratories, Mayo Clinic).